The following is an entry in ClinVar:

ClinVar aggregate classification (germline): Uncertain significance (1 of 4 stars; one submission).

Conditions:
RASopathy. Also called: Noonan spectrum disorder; rasopathies. Identifiers: Orphanet 536391, MedGen C5555857, MONDO:0021060.

gnomAD v4.1: 1 of 1,613,908 alleles (0.000062%); highest among the groups gnomAD compares: Non-Finnish European, 0.000085%; no homozygotes.

Submission:

Labcorp Genetics (formerly Invitae), Labcorp
Classification: Uncertain significance for RASopathy. Last evaluated: 2021-10-05. Review status: criteria provided, single submitter. Criteria: Invitae Variant Classification Sherloc (09022015). Collection method: clinical testing. Allele origin: germline.
Comment: In summary, the available evidence is currently insufficient to determine the role of this variant in disease. Therefore, it has been classified as a Variant of Uncertain Significance. Advanced modeling of protein sequence and biophysical properties (such as structural, functional, and spatial information, amino acid conservation, physicochemical variation, residue mobility, and thermodynamic stability) performed at Invitae indicates that this missense variant is expected to disrupt SOS1 protein function. This variant has not been reported in the literature in individuals affected with SOS1-related conditions. This variant is not present in population databases (ExAC no frequency). This sequence change replaces proline with leucine at codon 1317 of the SOS1 protein (p.Pro1317Leu). The proline residue is moderately conserved and there is a moderate physicochemical difference between proline and leucine.

NM_005633.4(SOS1):c.3950C>T (p.Pro1317Leu)

Gene: SOS1 (SOS Ras/Rac guanine nucleotide exchange factor 1; minus strand). Cytogenetic location: 2p22.1.
Variant type: single nucleotide variant.
Coding change: c.3950C>T on transcript NM_005633.4 (MANE Select); coding-DNA position 3950, C replaced by T.
Protein change: p.Pro1317Leu; replaces proline 1317 with leucine.
Molecular consequence: missense variant.
Genome position (GRCh38, 1-based): chr2:38,985,876, G>A on the plus strand (C>T on the coding strand, the complement: SOS1 is on the minus strand). VCF-style: chr2-38985876-G-A. GRCh37 (hg19) VCF-style: chr2-39213017-G-A.
Other names: c.3929C>T, p.Pro1310Leu (NM_001382394.1); c.3905C>T, p.Pro1302Leu (NM_001382395.1); short protein forms P1310L, P1317L, P1302L.
Identifiers: ClinVar variation 1397910 (VCV001397910.6), dbSNP rs2124454104, ClinGen allele CA346361971.